The following is an entry in ClinVar:

ClinVar aggregate classification (germline): Conflicting classifications of pathogenicity. Review status: criteria provided, conflicting classifications (1 of 4 stars). 2 submissions from 2 submitters: Likely pathogenic (1); Uncertain significance (1). Last evaluated 2026-09-01.

Conditions:
Malignant hyperthermia, susceptibility to, 1 (MHS1). Also called: RYR1-Related Malignant Hyperthermia Susceptibility; Anesthesia related hyperthermia; Malignant hyperpyrexia; Fulminating hyperpyrexia; Pharmacogenic myopathy; Malignant hyperthermia suceptibility 1. Identifiers: Orphanet 423, MedGen C2930980, MONDO:0007783, OMIM 145600.

Submissions (2):

GeneDx
Classification: Likely pathogenic. Last evaluated: 2026-09-01. Review status: criteria provided, single submitter. Criteria: GeneDx Variant Classification Process June 2021. Collection method: clinical testing. Allele origin: germline.
Comment: Frameshift variant predicted to result in protein truncation or nonsense mediated decay in a gene for which loss of function is a known mechanism of disease; Not observed at significant frequency in large population cohorts (gnomAD); Has not been previously published as pathogenic or benign to our knowledge; This variant is associated with the following publications: (PMID: 12668474, 33767344, 20681998)

Color Diagnostics, LLC DBA Color Health
Classification: Uncertain significance for Malignant hyperthermia, susceptibility to, 1. Last evaluated: 2025-10-10. Review status: criteria provided, single submitter. Criteria: ACMG Guidelines, 2015. Collection method: clinical testing. Allele origin: germline.
Comment: This variant inserts 1 nucleotide in exon 26 of the RYR1 gene, creating a frameshift and premature translation stop signal. This variant is expected to result in an absent or non-functional protein product. To our knowledge, this variant has not been reported in individuals affected with autosomal dominant malignant hyperthermia in the literature. This variant has not been identified in the general population by the Genome Aggregation Database (gnomAD). Loss of RYR1 function due to truncation variants is not an established disease mechanism for autosomal dominant malignant hyperthermia, although it is associated with other phenotype(s) (ClinVar Variation ID: 1213245). Therefore, this variant is classified as a Variant of Uncertain Significance for autosomal dominant malignant hyperthermia.

NM_000540.3(RYR1):c.3451dup (p.Met1151fs)

Gene: RYR1 (ryanodine receptor 1; plus strand). Cytogenetic location: 19q13.2.
Variant type: Duplication.
Coding change: c.3451dup on transcript NM_000540.3 (MANE Select); coding-DNA position 3451, one base duplicated (A; older notation c.3451dupA).
Protein change: p.Met1151fs; shifts the reading frame from methionine 1151.
Molecular consequence: frameshift variant.
Genome position (GRCh38, 1-based): chr19:38,469,035, A duplicated. VCF-style (leftmost placement, unchanged base first): chr19-38469034-T-TA. GRCh37 (hg19) VCF-style: chr19-38959674-T-TA.
Other names: c.3451dup, p.Met1151fs (NM_001042723.2); short protein forms M1151fs.
Identifiers: ClinVar variation 1213245 (VCV001213245.5), dbSNP rs2145461642, ClinGen allele CA2499225466.